The following is an entry in ClinVar:

NC_000003.11:g.(?_167413364)_(167437945_?)del

Gene: PDCD10 (programmed cell death 10; minus strand). Cytogenetic location: 3q26.1.
Variant type: Deletion.
Identifiers: ClinVar variation 1460340 (VCV001460340.4).

ClinVar aggregate classification (germline): Pathogenic (1 of 4 stars; one submission).

Conditions:
Cerebral cavernous malformation 3. Also called: Familial Cerebral Cavernous Malformation 3. Identifiers: Orphanet 221061, MedGen C1864040, MONDO:0011305, OMIM 603285.

Submission:

Labcorp Genetics (formerly Invitae), Labcorp
Classification: Pathogenic for Cerebral cavernous malformation 3. Last evaluated: 2021-03-27. Review status: criteria provided, single submitter. Criteria: Invitae Variant Classification Sherloc (09022015). Collection method: clinical testing. Allele origin: germline.
Comment: This variant has not been reported in the literature in individuals with PDCD10-related conditions. This variant is a gross deletion of the genomic region encompassing exon(s) 2-5 of the PDCD10 gene, which includes the initiator codon. The 5' end of this event is unknown as it extends beyond the assayed region for this gene and therefore may encompass additional genes. The 3' boundary is likely confined to intron 5 of the PDCD10 gene. It is expected to result in an absent or disrupted protein product. Loss-of-function variants in PDCD10 are known to be pathogenic (PMID: 15543491, 18300272, 23801932). For these reasons, this variant has been classified as Pathogenic.

Literature cited by the submitters: PubMed 15543491; PubMed 18300272; PubMed 23801932.